The following is an entry in ClinVar:

NM_001014987.2(LAT):c.634T>G (p.Ser212Ala)

Gene: LAT (linker for activation of T cells; plus strand). Cytogenetic location: 16p11.2.
Variant type: single nucleotide variant.
Coding change: c.634T>G on transcript NM_001014987.2 (MANE Select); coding-DNA position 634, T replaced by G.
Protein change: p.Ser212Ala; replaces serine 212 with alanine.
Molecular consequence: missense variant.
Genome position (GRCh38, 1-based): chr16:28,989,944, T>G. VCF-style: chr16-28989944-T-G. GRCh37 (hg19) VCF-style: chr16-29001265-T-G.
Other names: c.631T>G, p.Ser211Ala (NM_001014988.2); c.742T>G, p.Ser248Ala (NM_001014989.2); c.721T>G, p.Ser241Ala (NM_014387.4); short protein forms S248A, S211A, S212A, S241A.
Identifiers: ClinVar variation 1462326 (VCV001462326.8), dbSNP rs372606392, ClinGen allele CA7990115.

ClinVar aggregate classification (germline): Uncertain significance (1 of 4 stars; one submission).

Allele frequency attached by ClinVar (database versions not stated): gnomAD 0.00001; TOPMed 0.00001.
gnomAD v4.1: 21 of 1,613,754 alleles (0.0013%); highest among the groups gnomAD compares: Non-Finnish European, 0.00076%; no homozygotes.

Submission:

Labcorp Genetics (formerly Invitae), Labcorp
Classification: Uncertain significance. Last evaluated: 2022-03-03. Review status: criteria provided, single submitter. Criteria: Invitae Variant Classification Sherloc (09022015). Collection method: clinical testing. Allele origin: germline.
Comment: In summary, the available evidence is currently insufficient to determine the role of this variant in disease. Therefore, it has been classified as a Variant of Uncertain Significance. Algorithms developed to predict the effect of missense changes on protein structure and function output the following: SIFT: "Tolerated"; PolyPhen-2: "Benign"; Align-GVGD: "Class C0". The alanine amino acid residue is found in multiple mammalian species, which suggests that this missense change does not adversely affect protein function. This variant has not been reported in the literature in individuals affected with LAT-related conditions. This variant is present in population databases (rs372606392, gnomAD 0.05%). This sequence change replaces serine, which is neutral and polar, with alanine, which is neutral and non-polar, at codon 212 of the LAT protein (p.Ser212Ala).